The following is an entry in ClinVar:

NM_000283.4(PDE6B):c.865G>A (p.Val289Met)

Genes: PDE6B (phosphodiesterase 6B; plus strand), PDE6B-AS1 (PDE6B antisense RNA 1; minus strand). Cytogenetic location: 4p16.3.
Variant type: single nucleotide variant.
Coding change: c.865G>A on transcript NM_000283.4 (MANE Select); coding-DNA position 865, G replaced by A.
Protein change: p.Val289Met; replaces valine 289 with methionine.
Molecular consequence: missense variant. On other transcripts: 5 prime UTR variant (1).
Genome position (GRCh38, 1-based): chr4:654,092, G>A. VCF-style: chr4-654092-G-A. GRCh37 (hg19) VCF-style: chr4-647881-G-A.
Other names: c.865G>A (NM_000283.3); c.865G>A, p.Val289Met (NM_001145291.2); c.28G>A, p.Val10Met (NM_001145292.2, NM_001350154.3, NM_001379246.1 and 1 more transcripts); c.-176G>A (NM_001350155.3); short protein forms V10M, V289M.
Identifiers: ClinVar variation 1929719 (VCV001929719.7), dbSNP rs377200859, ClinGen allele CA2794161.

ClinVar aggregate classification (germline): Uncertain significance. Review status: criteria provided, multiple submitters, no conflicts (2 of 4 stars). 3 submissions from 3 submitters: Uncertain significance (3). Last evaluated 2025-08-10.

Conditions:
Inborn genetic diseases. Identifiers: MedGen C0950123, MeSH D030342.

Allele frequency attached by ClinVar (database versions not stated): TOPMed 0.00007; ESP Exome Variant Server 0.00008.
gnomAD v4.1: 49 of 1,613,738 alleles (0.003%); highest among the groups gnomAD compares: Middle Eastern, 0.033%; no homozygotes.

Submissions (3):

Ambry Genetics
Classification: Uncertain significance for Inborn genetic diseases. Last evaluated: 2025-08-10. Review status: criteria provided, single submitter. Criteria: Ambry Variant Classification Scheme 2023. Collection method: clinical testing. Allele origin: germline.

Blueprint Genetics
Classification: Uncertain significance. Last evaluated: 2024-05-22. Review status: criteria provided, single submitter. Criteria: ACMG Guidelines, 2015. Collection method: clinical testing. Allele origin: germline.

Labcorp Genetics (formerly Invitae), Labcorp
Classification: Uncertain significance. Last evaluated: 2022-10-25. Review status: criteria provided, single submitter. Criteria: Invitae Variant Classification Sherloc (09022015). Collection method: clinical testing. Allele origin: germline.
Comment: Advanced modeling of protein sequence and biophysical properties (such as structural, functional, and spatial information, amino acid conservation, physicochemical variation, residue mobility, and thermodynamic stability) performed at Invitae indicates that this missense variant is not expected to disrupt PDE6B protein function. This variant has not been reported in the literature in individuals affected with PDE6B-related conditions. In summary, the available evidence is currently insufficient to determine the role of this variant in disease. Therefore, it has been classified as a Variant of Uncertain Significance. This sequence change replaces valine, which is neutral and non-polar, with methionine, which is neutral and non-polar, at codon 289 of the PDE6B protein (p.Val289Met). This variant is present in population databases (rs377200859, gnomAD 0.03%).